The following is an entry in ClinVar:

ClinVar aggregate classification (germline): Benign/Likely benign. Review status: criteria provided, multiple submitters, no conflicts (2 of 4 stars). 7 submissions from 7 submitters: Benign (3); Likely benign (3). 1 of the submissions does not count toward it. Last evaluated 2026-02-03.

Conditions:
Hereditary nonpolyposis colon cancer (HNPCC). Also called: Hereditary nonpolyposis colorectal cancer; Familial nonpolyposis colon cancer; Hereditary Nonpolyposis Colorectal Cancer Syndrome. Identifiers: Orphanet 443909, MedGen C1333990, MONDO:0018630. Disease mechanism: loss of function.
Hereditary cancer-predisposing syndrome. Also called: Tumor predisposition; Hereditary Cancer Syndrome; Hereditary neoplastic syndrome; Neoplastic Syndromes, Hereditary. Identifiers: Orphanet 140162, MedGen C0027672, MeSH D009386, MONDO:0015356.
Hereditary diffuse gastric adenocarcinoma (HDGC). Also called: DIFFUSE GASTRIC AND LOBULAR BREAST CANCER SYNDROME. Identifiers: Orphanet 26106, MedGen C1708349, MONDO:0007648, OMIM 137215.

Allele frequency attached by ClinVar (database versions not stated): gnomAD exomes 0.00022 and 0.00052; ExAC 0.00063; ESP Exome Variant Server 0.00200; gnomAD 0.00209 and 0.00225; 1000 Genomes Project 30x 0.00219; 1000 Genomes Project 0.00220; TOPMed 0.00232.

Submissions (7):

Labcorp Genetics (formerly Invitae), Labcorp
Classification: Benign. Last evaluated: 2026-02-03. Review status: criteria provided, single submitter. Criteria: Invitae Variant Classification Sherloc (09022015). Collection method: clinical testing. Allele origin: germline.

Center for Genomic Medicine, Rigshospitalet, Copenhagen University Hospital
Classification: Likely benign. Last evaluated: 2025-12-29. Review status: criteria provided, single submitter. Criteria: ACMG Guidelines, 2015. Collection method: clinical testing. Allele origin: germline.

Myriad Genetics, Inc.
Classification: Benign for Hereditary diffuse gastric adenocarcinoma. Last evaluated: 2024-10-11. Review status: criteria provided, single submitter. Criteria: Myriad Autosomal Dominant, Autosomal Recessive and X-Linked Classification Criteria (2023). Collection method: clinical testing. Allele origin: unknown.
Comment: This variant is considered benign. This variant is a silent/synonymous amino acid change and it is not expected to impact splicing.

Blueprint Genetics
Classification: Likely benign. Last evaluated: 2024-10-09. Review status: criteria provided, single submitter. Criteria: ACMG Guidelines, 2015. Collection method: clinical testing. Allele origin: germline.

Department of Pathology and Laboratory Medicine, Sinai Health System
Classification: Likely benign for hereditary nonpolyposis colon cancer. Last evaluated: 2023-05-30. Review status: criteria provided, single submitter. Criteria: ACMG Guidelines, 2015. Collection method: clinical testing. Allele origin: germline. Affected: yes.

Ambry Genetics
Classification: Benign for Hereditary cancer-predisposing syndrome. Last evaluated: 2019-02-04. Review status: criteria provided, single submitter. Criteria: Ambry Variant Classification Scheme 2023. Collection method: clinical testing. Allele origin: germline.

Genetic Services Laboratory, University of Chicago
Classification: Benign. Last evaluated: 2022-05-12. Review status: no assertion criteria provided. Collection method: clinical testing. Allele origin: germline. Affected: no. Not counted in ClinVar's aggregate classification.

NM_001903.5(CTNNA1):c.1167C>T (p.His389=)

Gene: CTNNA1 (catenin alpha 1; plus strand). Cytogenetic location: 5q31.2.
Variant type: single nucleotide variant.
Coding change: c.1167C>T on transcript NM_001903.5 (MANE Select); coding-DNA position 1167, C replaced by T.
Protein change: p.His389=; no amino-acid change (histidine 389 retained).
Molecular consequence: synonymous variant. On other transcripts: 5 prime UTR variant (5), intron variant (2).
Genome position (GRCh38, 1-based): chr5:138,887,513, C>T. VCF-style: chr5-138887513-C-T. GRCh37 (hg19) VCF-style: chr5-138223202-C-T.
Other names: c.1167C>T, p.His389= (NM_001290307.3, NM_001323982.2, NM_001323983.1 and 3 more transcripts); c.858C>T, p.His286= (NM_001290309.3); c.798C>T, p.His266= (NM_001290310.3); c.57C>T, p.His19= (NM_001290312.1, NM_001323987.1, NM_001323988.1 and 18 more transcripts); c.-341C>T (NM_001324006.1, NM_001324007.1, NM_001324008.1 and 1 more transcripts); c.-216C>T (NM_001324013.1); c.-58+11916C>T (NM_001324012.1); c.-61+11916C>T (NM_001324010.1).
Identifiers: ClinVar variation 415359 (VCV000415359.21), dbSNP rs61736921, ClinGen allele CA3431877.